The following is an entry in ClinVar:

NM_005548.3(KARS1):c.496GAA[2] (p.Glu168del)

Gene: KARS1 (lysyl-tRNA synthetase 1; minus strand). Cytogenetic location: 16q23.1.
Variant type: Microsatellite.
Coding change: c.496GAA[2] on transcript NM_005548.3 (MANE Select); two copies in a row of the 3-base unit GAA starting at c.496; the reference has three copies in a row; one copy, 3 bases deleted.
Protein change: p.Glu168del; deletes glutamic acid 168.
Molecular consequence: inframe deletion. On other transcripts: inframe indel (1).
Genome position (GRCh38, 1-based): chr16:75,636,077-75,636,079, TTC deleted on the plus strand (GAA on the coding strand, the reverse complement: KARS1 is on the minus strand); deleting any 3 consecutive bases within chr16:75,636,077-75,636,086 gives the same sequence; the position shown is the placement nearest the transcript's 3' end. VCF-style (leftmost placement, unchanged base first): chr16-75636076-ATTC-A. GRCh37 (hg19) VCF-style: chr16-75669974-ATTC-A.
Other names: c.579_581AGA[2], p.Glu196del (NM_001130089.1); c.580GAA[2], p.Glu196del (NM_001130089.2); c.28GAA[2], p.Glu12del (NM_001378148.1); c.586_588delGAA (NM_001130089.1); short protein forms E168del, E196del, E12del.
Identifiers: ClinVar variation 2067211 (VCV002067211.6), dbSNP rs761605526, ClinGen allele CA8177589.

ClinVar aggregate classification (germline): Uncertain significance. Review status: criteria provided, multiple submitters, no conflicts (2 of 4 stars). 3 submissions from 3 submitters: Uncertain significance (3). Last evaluated 2022-08-15.

Submissions (3):

Labcorp Genetics (formerly Invitae), Labcorp
Classification: Uncertain significance. Last evaluated: 2022-08-15. Review status: criteria provided, single submitter. Criteria: Invitae Variant Classification Sherloc (09022015). Collection method: clinical testing. Allele origin: germline.
Comment: In summary, the available evidence is currently insufficient to determine the role of this variant in disease. Therefore, it has been classified as a Variant of Uncertain Significance. Experimental studies and prediction algorithms are not available or were not evaluated, and the functional significance of this variant is currently unknown. This variant has not been reported in the literature in individuals affected with KARS-related conditions. This variant is present in population databases (rs761605526, gnomAD 0.008%). This variant, c.586_588del, results in the deletion of 1 amino acid(s) of the KARS protein (p.Glu196del), but otherwise preserves the integrity of the reading frame.

Ambry Genetics
Classification: Uncertain significance. Last evaluated: 2021-11-19. Review status: criteria provided, single submitter. Criteria: Ambry Variant Classification Scheme 2023. Collection method: clinical testing. Allele origin: germline.
Comment: The c.586_588delGAA (p.E196del) alteration is located in exon 6 (coding exon 5) of the KARS gene. This alteration consists of an in-frame deletion of 3 nucleotides between nucleotide positions c.586 and c.588, resulting in the deletion of 1 residue. Based on insufficient or conflicting evidence, the clinical significance of this alteration remains unclear.

Blueprint Genetics
Classification: Uncertain significance. Last evaluated: 2020-06-02. Review status: criteria provided, single submitter. Criteria: ACMG Guidelines, 2015. Collection method: clinical testing. Allele origin: germline.